The following continues an entry in ClinVar:

NM_007194.4(CHEK2):c.444+1G>A

Gene: CHEK2. ClinVar aggregate classification (germline): Pathogenic/Likely pathogenic. Pathogenic (51); Likely pathogenic (2).

Submissions 10 to 30 of 72:

ARUP Laboratories, Molecular Genetics and Genomics, ARUP Laboratories
Classification: Pathogenic. Last evaluated: 2025-07-23. Review status: criteria provided, single submitter. Criteria: ARUP Molecular Germline Variant Investigation Process 2024. Collection method: clinical testing. Allele origin: germline.
Comment: The CHEK2 c.444+1G>A variant (rs121908698), also known as IVS2+1G>A, is reported in numerous individuals with familial breast cancer and prostate cancer, and is considered to be one of three CHEK2 founder variants in the Polish population (Bak 2014, Cybulski 2004, Cybulski 2006, Dong 2003). Functional analysis showed that this variant results in a 4-bp insertion due to abnormal splicing and creates a premature termination codon eliminating part of the FHA domain and the entire kinase activation domain of CHEK2 (Dong 2003). This variant is reported in ClinVar (Variation ID: 128075). It is observed in the general population with an overall allele frequency of 0.01% (40/282678 alleles) in the Genome Aggregation Database. Based on available information, this variant is considered to be pathogenic. References: Bak A et al. A risk of breast cancer in women - carriers of constitutional CHEK2 gene mutations, originating from the North - Central Poland. Hered Cancer Clin Pract. 2014 Apr 8;12(1):10. PMID: 24713400. Cybulski C et al. A novel founder CHEK2 mutation is associated with increased prostate cancer risk. Cancer Res. 2004 Apr 15;64(8):2677-9. PMID: 15087378. Cybulski C et al. CHEK2-positive breast cancers in young Polish women. Clin Cancer Res. 2006 Aug 15;12(16):4832-5. PMID: 16914568. Dong X et al. Mutations in CHEK2 associated with prostate cancer risk. Am J Hum Genet. 2003 Feb;72(2):270-80. PMID: 12533788.

NHS Central & South Genomic Laboratory Hub
Classification: Pathogenic for Inherited breast cancer and ovarian cancer. Last evaluated: 2025-06-05. Review status: criteria provided, single submitter. Criteria: ACMG Guidelines, 2015. Collection method: clinical testing. Allele origin: germline. Affected: yes.

Molecular Pathology, Peter Maccallum Cancer Centre
Classification: Pathogenic for Familial cancer of breast. Last evaluated: 2025-05-23. Review status: criteria provided, single submitter. Criteria: ACMG Guidelines, 2015. Collection method: clinical testing. Allele origin: germline. Inheritance: Autosomal dominant inheritance.

Center for Genomic Medicine, Rigshospitalet, Copenhagen University Hospital
Classification: Pathogenic. Last evaluated: 2025-03-04. Review status: criteria provided, single submitter. Criteria: ACMG Guidelines, 2015. Collection method: clinical testing. Allele origin: germline.

Institute of Human Genetics, University of Leipzig Medical Center
Classification: Pathogenic for Breast-ovarian cancer, familial, susceptibility to, 1. Last evaluated: 2025-03-04. Review status: criteria provided, single submitter. Criteria: ACMG Guidelines, 2015. Collection method: clinical testing. Allele origin: unknown. Inheritance: Autosomal dominant inheritance. Affected: yes.
Comment: Criteria applied: PVS1,PS4

Laboratory of Genetics, Children's Clinical University Hospital Latvia
Classification: Pathogenic. Last evaluated: 2025-02-16. Review status: criteria provided, single submitter. Criteria: ACMG Guidelines, 2015. Collection method: clinical testing. Allele origin: germline. Affected: yes.

Department of Clinical Genetics, Copenhagen University Hospital, Rigshospitalet
Classification: Pathogenic for Hereditary cancer-predisposing syndrome. Last evaluated: 2025-02-04. Review status: criteria provided, single submitter. Criteria: ACMG Guidelines, 2015. Collection method: clinical testing. Allele origin: germline.
Comment: PVS1; PS4

Institute of Human Genetics, Heidelberg University
Classification: Pathogenic for CHEK2-related cancer predisposition. Last evaluated: 2025-01-24. Review status: criteria provided, single submitter. Criteria: ACMG Guidelines, 2015. Collection method: clinical testing. Allele origin: maternal. Observed: 2 variant alleles.
Comment: PVS1, PS4

Color Diagnostics, LLC DBA Color Health
Classification: Pathogenic for Hereditary cancer-predisposing syndrome. Last evaluated: 2025-01-13. Review status: criteria provided, single submitter. Criteria: ACMG Guidelines, 2015. Collection method: clinical testing. Allele origin: germline.
Comment: This variant causes a G to A nucleotide substitution at the +1 position of intron 3 of the CHEK2 gene. It is also known as CHEK2 IVS2+1G>A in the literature. RNA studies have shown that this variant abolishes the native splice donor site and activates a cryptic splice site, which leads to a frameshift and premature protein truncation (PMID: 12533788, 31843900). This variant has been reported in numerous individuals affected breast cancer (PMID: 15095295, 15492928, 21876083, 24713400, 33030641), ovarian cancer (PMID: 32546565), and prostate cancer (PMID: 12533788, 15087378). A large case-control study has shown that this variant is associated with an increased risk of breast cancer (OR=2.085, 95%CI [1.34 to 3.245], PMID: 33471991). The variant is thought to be a founder mutation in the Polish population (PMID: 15087378, 15492928). This variant has been identified in 40/282678 chromosomes in the general population by the Genome Aggregation Database (gnomAD). Loss of CHEK2 function is a known mechanism of disease. Based on the available evidence, this variant is classified as Pathogenic.

Blueprint Genetics
Classification: Pathogenic for CHEK2-related disorders. Last evaluated: 2024-11-08. Review status: criteria provided, single submitter. Criteria: ACMG Guidelines, 2015. Collection method: clinical testing. Allele origin: germline. Affected: yes. Observed: 5 variant alleles.

Genomics and Molecular Medicine Service, East Genomic Laboratory Hub, NHS Genomic Medicine Service
Classification: Likely pathogenic for Inherited breast cancer and ovarian cancer. Last evaluated: 2024-10-29. Review status: criteria provided, single submitter. Criteria: ACGS Best Practice Guidelines for Variant Classification in Rare Disease 2020. Collection method: clinical testing. Allele origin: germline. Affected: yes.
Comment: PVS1,PM5_Supporting

Ambry Genetics
Classification: Pathogenic for Hereditary cancer-predisposing syndrome. Last evaluated: 2024-07-31. Review status: criteria provided, single submitter. Criteria: Ambry Variant Classification Scheme 2023. Collection method: clinical testing. Allele origin: germline.
Comment: The c.444+1G>A intronic pathogenic mutation results from a G to A substitution one nucleotide after coding exon 2 of the CHEK2 gene. This mutation has been described in multiple individuals diagnosed with breast cancer (Kraus C et al. Int. J. Cancer 2017 Jan;140(1):95-102; Pelttari LM et al. Clin. Genet. 2018 Mar;93(3):595-602). In addition, this mutation has been associated with increased risk of breast, prostate, thyroid, and stomach cancers as well as polycythemia vera in Polish patient cohorts (Cybulski C et al. Am. J. Hum. Genet. 2004 Dec;75:1131-5; Serrano-Fernandez P et al. Breast Cancer Res. Treat. 2009 Sep;117:161-5; Cybulski C et al. J. Clin. Oncol. 2011 Oct;29:3747-52; Teodorczyk U et al. Fam. Cancer. 2013 Sep;12:473-8; Janiszewska H et al. Br. J. Haematol. 2016 Apr;173(1):150-2). Of note, this alteration is also designated as IVS2+1G>A in published literature. RNA studies have demonstrated this alteration results in abnormal splicing in the set of samples tested (Ambry internal data; Dong X et al. Am. J. Hum. Genet. 2003 Feb;72:270-80). In silico splice site analysis predicts that this alteration will weaken the native splice donor site and will result in the creation or strengthening of a novel splice donor site. As such, this alteration is classified as a disease-causing mutation.

Fulgent Genetics
Classification: Pathogenic for Familial prostate cancer; Bone osteosarcoma; CHEK2-related cancer predisposition. Last evaluated: 2024-05-14. Review status: criteria provided, single submitter. Criteria: ACMG Guidelines, 2015. Collection method: clinical testing. Allele origin: germline.

Baylor Genetics
Classification: Pathogenic for Familial cancer of breast. Last evaluated: 2024-03-27. Review status: criteria provided, single submitter. Criteria: ACMG Guidelines, 2015. Collection method: clinical testing. Allele origin: unknown.

Clinical Genetics Laboratory, Skane University Hospital Lund
Classification: Pathogenic. Last evaluated: 2023-10-13. Review status: criteria provided, single submitter. Criteria: ACMG Guidelines, 2015. Collection method: clinical testing. Allele origin: germline. Affected: yes.

CHEO Genetics Diagnostic Laboratory, Children's Hospital of Eastern Ontario
Classification: Pathogenic for Breast and/or ovarian cancer. Last evaluated: 2023-06-16. Review status: criteria provided, single submitter. Criteria: ACMG Guidelines, 2015. Collection method: clinical testing. Allele origin: germline.

Mayo Clinic Laboratories, Mayo Clinic
Classification: Pathogenic. Last evaluated: 2023-05-10. Review status: criteria provided, single submitter. Criteria: ACMG Guidelines, 2015. Collection method: clinical testing. Allele origin: germline. Observed: 35 variant alleles.
Comment: PS4_moderate, PVS1

Myriad Genetics, Inc.
Classification: Pathogenic for Familial cancer of breast. Last evaluated: 2023-03-09. Review status: criteria provided, single submitter. Criteria: Myriad Autosomal Dominant, Autosomal Recessive and X-Linked Classification Criteria (2023). Collection method: clinical testing. Allele origin: unknown.
Comment: This variant is considered pathogenic. This variant is strongly associated with more severe personal and family histories of cancer, typical for individuals with pathogenic variants in this gene [PMID: 25085752].

Institute for Genomic Medicine (IGM) Clinical Laboratory, Nationwide Children's Hospital
Classification: Pathogenic for CHEK2-related cancer predisposition. Last evaluated: 2023-02-17. Review status: criteria provided, single submitter. Criteria: ACMG Guidelines, 2015. Collection method: clinical testing. Allele origin: germline.
Comment: This variant is predicted to result in loss of function through nonsense-mediated decay of the encoded transcript or premature truncation of the encoded protein in a gene in which loss of function is a known mechanism of disease (ACMG/AMP: PVS1). Well-established functional studies have demonstrated this variant to have a damaging effect on protein function or splicing (ACMG/AMP: PS3; PMIDs:12533788, 31843900). This variant has been reported at an elevated frequency in affected individuals/in multiple affected individuals in the literature (ACMG/AMP: PS4; PMIDs:15095295, 15492928, 19030985, 21876083, 24713400).

Centre for Mendelian Genomics, University Medical Centre Ljubljana
Classification: Pathogenic for Familial cancer of breast. Last evaluated: 2022-12-09. Review status: criteria provided, single submitter. Criteria: ACMG Guidelines, 2015. Collection method: research. Allele origin: germline. Affected: no.
Comment: PVS1, PS3, PS4_STR, BS1

Human Genetics Bochum, Ruhr University Bochum
Classification: Pathogenic for Melanoma. Last evaluated: 2022-12-05. Review status: criteria provided, single submitter. Criteria: ACMG Guidelines, 2015. Collection method: clinical testing. Allele origin: germline. Affected: yes.
Comment: ACMG criteria used to clasify this variant: PVS1, PM2, PS4